The following is an entry in ClinVar:

NM_024079.5(ALG8):c.899-13A>T

Gene: ALG8 (ALG8 alpha-1,3-glucosyltransferase; minus strand). Cytogenetic location: 11q14.1.
Variant type: single nucleotide variant.
Coding change: c.899-13A>T on transcript NM_024079.5 (MANE Select); 13 bases into the intron before coding-DNA position 899, A replaced by T.
Molecular consequence: intron variant.
Genome position (GRCh38, 1-based): chr11:78,109,594, T>A on the plus strand (A>T on the coding strand, the complement: ALG8 is on the minus strand). VCF-style: chr11-78109594-T-A. GRCh37 (hg19) VCF-style: chr11-77820640-T-A.
Other names: c.899-13A>T (NM_001007027.3).
Identifiers: ClinVar variation 2983747 (VCV002983747.3), dbSNP rs772717043, ClinGen allele CA6203268.

ClinVar aggregate classification (germline): Uncertain significance (1 of 4 stars; one submission).

Conditions:
ALG8 congenital disorder of glycosylation. Also called: CDG Ih; ALG8-CDG; CONGENITAL DISORDER OF GLYCOSYLATION, TYPE Ih. Identifiers: Orphanet 79325, MedGen C2931002, MONDO:0011969, OMIM 608104.

Allele frequency attached by ClinVar (database versions not stated): ExAC 0.00002.
gnomAD v4.1: 2 of 1,608,796 alleles (0.00012%); highest among the groups gnomAD compares: Admixed American, 0.0017%; no homozygotes.

Submission:

Labcorp Genetics (formerly Invitae), Labcorp
Classification: Uncertain significance for ALG8 congenital disorder of glycosylation. Last evaluated: 2023-10-05. Review status: criteria provided, single submitter. Criteria: Invitae Variant Classification Sherloc (09022015). Collection method: clinical testing. Allele origin: germline.
Comment: This sequence change falls in intron 8 of the ALG8 gene. It does not directly change the encoded amino acid sequence of the ALG8 protein. This variant is present in population databases (rs772717043, gnomAD 0.003%). This variant has not been reported in the literature in individuals affected with ALG8-related conditions. Algorithms developed to predict the effect of sequence changes on RNA splicing suggest that this variant may create or strengthen a splice site. In summary, the available evidence is currently insufficient to determine the role of this variant in disease. Therefore, it has been classified as a Variant of Uncertain Significance.